The following is an entry in ClinVar:

ClinVar aggregate classification (germline): Uncertain significance. Review status: criteria provided, multiple submitters, no conflicts (2 of 4 stars). 2 submissions from 2 submitters: Uncertain significance (2). Last evaluated 2025-04-08.

Conditions:
Hypopigmentation, organomegaly, and delayed myelination and development. Identifiers: MedGen C5203300, MONDO:0032805, OMIM 618541.
Autosomal dominant osteopetrosis 2. Also called: ALBERS-SCHONBERG DISEASE, AUTOSOMAL DOMINANT; Osteopetroses; Marble bones; Albers-Schonberg disease; Osteosclerosis fragilis; Albers-Schönberg osteopetrosis. Identifiers: Orphanet 53, MedGen C3179239, MONDO:0008156, OMIM 166600.
Autosomal recessive osteopetrosis 4. Also called: infantile malignant CLCN7-related recessive osteopetrosis; CLCN7-Related Osteopetrosis. Identifiers: Orphanet 667, MedGen C1969106, MONDO:0012676, OMIM 611490.

gnomAD v4.1: 21 of 1,612,180 alleles (0.0013%); highest among the groups gnomAD compares: Middle Eastern, 0.016%; no homozygotes.

Submissions (2):

Labcorp Genetics (formerly Invitae), Labcorp
Classification: Uncertain significance. Last evaluated: 2025-04-08. Review status: criteria provided, single submitter. Criteria: Invitae Variant Classification Sherloc (09022015). Collection method: clinical testing. Allele origin: germline.
Comment: This sequence change falls in intron 19 of the CLCN7 gene. It does not directly change the encoded amino acid sequence of the CLCN7 protein. It affects a nucleotide within the consensus splice site. This variant is present in population databases (rs200682842, gnomAD 0.002%). This variant has not been reported in the literature in individuals affected with CLCN7-related conditions. ClinVar contains an entry for this variant (Variation ID: 1465926). Variants that disrupt the consensus splice site are a relatively common cause of aberrant splicing (PMID: 17576681, 9536098). Algorithms developed to predict the effect of sequence changes on RNA splicing suggest that this variant is not likely to affect RNA splicing. In summary, the available evidence is currently insufficient to determine the role of this variant in disease. Therefore, it has been classified as a Variant of Uncertain Significance.

Fulgent Genetics
Classification: Uncertain significance for Autosomal dominant osteopetrosis 2; Autosomal recessive osteopetrosis 4; Hypopigmentation, organomegaly, and delayed myelination and development. Last evaluated: 2021-11-29. Review status: criteria provided, single submitter. Criteria: ACMG Guidelines, 2015. Collection method: clinical testing. Allele origin: unknown.

Literature cited by the submitters: PubMed 17576681 (cited by Labcorp Genetics (formerly Invitae), Labcorp); PubMed 9536098 (cited by Labcorp Genetics (formerly Invitae), Labcorp).

NM_001287.6(CLCN7):c.1797+4C>T

Gene: CLCN7 (Cl-/H+ antiporter 7; minus strand). Cytogenetic location: 16p13.3.
Variant type: single nucleotide variant.
Coding change: c.1797+4C>T on transcript NM_001287.6 (MANE Select); 4 bases into the intron after coding-DNA position 1797, C replaced by T.
Molecular consequence: intron variant.
Genome position (GRCh38, 1-based): chr16:1,448,962, G>A on the plus strand (C>T on the coding strand, the complement: CLCN7 is on the minus strand). VCF-style: chr16-1448962-G-A. GRCh37 (hg19) VCF-style: chr16-1498963-G-A.
Other names: c.1725+4C>T (NM_001114331.3).
Identifiers: ClinVar variation 1465926 (VCV001465926.7), dbSNP rs200682842, ClinGen allele CA7810080.